The following is an entry in ClinVar:

ClinVar aggregate classification (germline): Benign (1 of 4 stars; one submission).

Conditions:
Ceroid lipofuscinosis, neuronal, 4 (Kufs type) (CLN4). Also called: Neuronal ceroid lipofuscinosis 4B; Ceroid lipofuscinosis, neuronal, 4, Parry type. Identifiers: Orphanet 228343, Orphanet 79262, MedGen C1834207, MONDO:0008083, OMIM 162350.

Allele frequency attached by ClinVar (database versions not stated): gnomAD 0.00032 and 0.00052; TOPMed 0.00040; 1000 Genomes Project 30x 0.00250; 1000 Genomes Project 0.00280.

Submission:

Illumina Laboratory Services, Illumina
Classification: Benign for Ceroid lipofuscinosis, neuronal, 4 (Kufs type). Last evaluated: 2018-01-12. Review status: criteria provided, single submitter. Criteria: ICSL Variant Classification Criteria 13 December 2019. Collection method: clinical testing. Allele origin: germline.
Comment: This variant was observed in the ICSL laboratory as part of a predisposition screen in an ostensibly healthy population. It had not been previously curated by ICSL or reported in the Human Gene Mutation Database (HGMD: prior to June 1st, 2018), and was therefore a candidate for classification through an automated scoring system. Utilizing variant allele frequency, disease prevalence and penetrance estimates, and inheritance mode, an automated score was calculated to assess if this variant is too frequent to cause the disease. Based on the score and internal cut-off values, a variant classified as benign is not then subjected to further curation. The score for this variant resulted in a classification of benign for this disease.

NM_025219.3(DNAJC5):c.*4131C>T

Gene: DNAJC5 (DnaJ heat shock protein family (Hsp40) member C5; plus strand). Cytogenetic location: 20q13.33.
Variant type: single nucleotide variant.
Coding change: c.*4131C>T on transcript NM_025219.3 (MANE Select); 4131 bases downstream of the stop codon, C replaced by T.
Molecular consequence: 3 prime UTR variant.
Genome position (GRCh38, 1-based): chr20:63,935,699, C>T. VCF-style: chr20-63935699-C-T. GRCh37 (hg19) VCF-style: chr20-62567052-C-T.
Identifiers: ClinVar variation 339443 (VCV000339443.6), dbSNP rs146360147, ClinGen allele CA10644432.